The following is an entry in ClinVar:

NM_001182.5(ALDH7A1):c.*1730C>T

Gene: ALDH7A1 (aldehyde dehydrogenase 7 family member A1; minus strand). Cytogenetic location: 5q23.2.
Variant type: single nucleotide variant.
Coding change: c.*1730C>T on transcript NM_001182.5 (MANE Select); 1730 bases downstream of the stop codon, C replaced by T.
Molecular consequence: 3 prime UTR variant.
Genome position (GRCh38, 1-based): chr5:126,543,235, G>A on the plus strand (C>T on the coding strand, the complement: ALDH7A1 is on the minus strand). VCF-style: chr5-126543235-G-A. GRCh37 (hg19) VCF-style: chr5-125878927-G-A.
Other names: c.*1730C>T (NM_001201377.2, NM_001202404.2).
Identifiers: ClinVar variation 350548 (VCV000350548.29), dbSNP rs185960737, ClinGen allele CA10622388.

ClinVar aggregate classification (germline): Conflicting classifications of pathogenicity. Review status: criteria provided, conflicting classifications (1 of 4 stars). 2 submissions from 2 submitters: Uncertain significance (1); Benign (1). Last evaluated 2023-03-01.

Conditions:
Pyridoxine-dependent epilepsy (EPEO4). Also called: Pyridoxine-Dependent Seizures; Pyridoxine-Dependent Epilepsy - ALDH7A1; PYRIDOXINE DEPENDENCY WITH SEIZURES; EPILEPSY, EARLY-ONSET, 4, VITAMIN B6-DEPENDENT. Identifiers: Orphanet 3006, MedGen C1849508, MONDO:0009945, OMIM 266100. Disease mechanism: loss of function.

Allele frequency attached by ClinVar (database versions not stated): TOPMed 0.00318; gnomAD 0.00328 and 0.00366; 1000 Genomes Project 0.00359; 1000 Genomes Project 30x 0.00359.

Submissions (2):

CeGaT Center for Human Genetics Tuebingen
Classification: Benign. Last evaluated: 2023-03-01. Review status: criteria provided, single submitter. Criteria: CeGaT Center For Human Genetics Tuebingen Variant Classification Criteria Version 2. Collection method: clinical testing. Allele origin: germline. Affected: yes. Observed: 7 variant alleles.
Comment: ALDH7A1: BS1, BS2

Illumina Laboratory Services, Illumina
Classification: Uncertain significance for Pyridoxine-dependent epilepsy. Last evaluated: 2018-01-13. Review status: criteria provided, single submitter. Criteria: ICSL Variant Classification Criteria 13 December 2019. Collection method: clinical testing. Allele origin: germline.